The following is an entry in ClinVar:

ClinVar aggregate classification (germline): Uncertain significance. Review status: criteria provided, multiple submitters, no conflicts (2 of 4 stars). 2 submissions from 2 submitters: Uncertain significance (2). Last evaluated 2025-04-24.

Conditions:
Noonan syndrome 9 (NS9). Identifiers: Orphanet 648, MedGen C4225282, MONDO:0014691, OMIM 616559.

Allele frequency attached by ClinVar (database versions not stated): ExAC 0.00001; gnomAD exomes below 0.00001.
gnomAD v4.1: 2 of 1,613,720 alleles (0.00012%); highest among the groups gnomAD compares: East Asian, 0.0045%; no homozygotes.

Submissions (2):

Labcorp Genetics (formerly Invitae), Labcorp
Classification: Uncertain significance for Noonan syndrome 9. Last evaluated: 2025-04-24. Review status: criteria provided, single submitter. Criteria: Invitae Variant Classification Sherloc (09022015). Collection method: clinical testing. Allele origin: germline.
Comment: This sequence change replaces tryptophan, which is neutral and slightly polar, with arginine, which is basic and polar, at codon 761 of the SOS2 protein (p.Trp761Arg). This variant is present in population databases (rs745497052, gnomAD 0.01%). This variant has not been reported in the literature in individuals affected with SOS2-related conditions. ClinVar contains an entry for this variant (Variation ID: 2436251). Invitae Evidence Modeling of protein sequence and biophysical properties (such as structural, functional, and spatial information, amino acid conservation, physicochemical variation, residue mobility, and thermodynamic stability) has been performed for this missense variant. However, the output from this modeling did not meet the statistical confidence thresholds required to predict the impact of this variant on SOS2 protein function. In summary, the available evidence is currently insufficient to determine the role of this variant in disease. Therefore, it has been classified as a Variant of Uncertain Significance.

Revvity Omics, Revvity
Classification: Uncertain significance for Noonan syndrome 9. Last evaluated: 2021-03-16. Review status: criteria provided, single submitter. Criteria: ACMG Guidelines, 2015. Collection method: clinical testing. Allele origin: germline.

NM_006939.4(SOS2):c.2281T>C (p.Trp761Arg)

Gene: SOS2 (SOS Ras/Rho guanine nucleotide exchange factor 2; minus strand). Cytogenetic location: 14q21.3.
Variant type: single nucleotide variant.
Coding change: c.2281T>C on transcript NM_006939.4 (MANE Select); coding-DNA position 2281, T replaced by C.
Protein change: p.Trp761Arg; replaces tryptophan 761 with arginine.
Molecular consequence: missense variant.
Genome position (GRCh38, 1-based): chr14:50,150,111, A>G on the plus strand (T>C on the coding strand, the complement: SOS2 is on the minus strand). VCF-style: chr14-50150111-A-G. GRCh37 (hg19) VCF-style: chr14-50616829-A-G.
Other names: c.2182T>C, p.Trp728Arg (NM_001411020.1); short protein forms W728R, W761R.
Identifiers: ClinVar variation 2436251 (VCV002436251.4), dbSNP rs745497052, ClinGen allele CA7177076.